The following is an entry in ClinVar:

NM_007215.4(POLG2):c.668A>C (p.Gln223Pro)

Genes: MILR1 (mast cell immunoglobulin like receptor 1; plus strand), POLG2 (DNA polymerase gamma 2, accessory subunit; minus strand). Cytogenetic location: 17q23.3.
Variant type: single nucleotide variant.
Coding change: c.668A>C on transcript NM_007215.4 (MANE Select); coding-DNA position 668, A replaced by C.
Protein change: p.Gln223Pro; replaces glutamine 223 with proline.
Molecular consequence: missense variant.
Genome position (GRCh38, 1-based): chr17:64,492,916, T>G on the plus strand (A>C on the coding strand, the complement: POLG2 is on the minus strand). VCF-style: chr17-64492916-T-G. GRCh37 (hg19) VCF-style: chr17-62489033-T-G.
Other names: c.668A>C (NM_007215.3); short protein forms Q223P.
Identifiers: ClinVar variation 2894170 (VCV002894170.5), dbSNP rs141002602, ClinGen allele CA8712959.

ClinVar aggregate classification (germline): Uncertain significance. Review status: criteria provided, multiple submitters, no conflicts (2 of 4 stars). 3 submissions from 3 submitters: Uncertain significance (3). Last evaluated 2025-07-02.

Allele frequency attached by ClinVar (database versions not stated): gnomAD exomes 0.00001; 1000 Genomes Project 30x 0.00016; gnomAD 0.00013; 1000 Genomes Project 0.00020; ExAC 0.00005; TOPMed 0.00014; ESP Exome Variant Server 0.00015.
gnomAD v4.1: 36 of 1,614,160 alleles (0.0022%); highest among the groups gnomAD compares: African/African-American, 0.044%; no homozygotes.

Submissions (3):

Labcorp Genetics (formerly Invitae), Labcorp
Classification: Uncertain significance. Last evaluated: 2025-07-02. Review status: criteria provided, single submitter. Criteria: Invitae Variant Classification Sherloc (09022015). Collection method: clinical testing. Allele origin: germline.
Comment: This sequence change replaces glutamine, which is neutral and polar, with proline, which is neutral and non-polar, at codon 223 of the POLG2 protein (p.Gln223Pro). This variant is present in population databases (rs141002602, gnomAD 0.05%). This variant has not been reported in the literature in individuals affected with POLG2-related conditions. ClinVar contains an entry for this variant (Variation ID: 2894170). An algorithm developed to predict the effect of missense changes on protein structure and function (PolyPhen-2) suggests that this variant is likely to be tolerated. In summary, the available evidence is currently insufficient to determine the role of this variant in disease. Therefore, it has been classified as a Variant of Uncertain Significance.

GeneDx
Classification: Uncertain significance. Last evaluated: 2025-03-23. Review status: criteria provided, single submitter. Criteria: GeneDx Variant Classification Process June 2021. Collection method: clinical testing. Allele origin: germline. Affected: yes.
Comment: Has not been previously published as pathogenic or benign to our knowledge; In silico analysis indicates that this missense variant does not alter protein structure/function

Ambry Genetics
Classification: Uncertain significance. Last evaluated: 2024-11-26. Review status: criteria provided, single submitter. Criteria: Ambry Variant Classification Scheme 2023. Collection method: clinical testing. Allele origin: germline.